The following is an entry in ClinVar:

NM_001170535.3(ATAD3A):c.1697A>G (p.Gln566Arg)

Gene: ATAD3A (ATPase family AAA domain containing 3A; plus strand). Cytogenetic location: 1p36.33.
Variant type: single nucleotide variant.
Coding change: c.1697A>G on transcript NM_001170535.3 (MANE Select); coding-DNA position 1697, A replaced by G.
Protein change: p.Gln566Arg; replaces glutamine 566 with arginine.
Molecular consequence: missense variant.
Genome position (GRCh38, 1-based): chr1:1,534,008, A>G. VCF-style: chr1-1534008-A-G. GRCh37 (hg19) VCF-style: chr1-1469388-A-G.
Other names: c.1460A>G, p.Gln487Arg (NM_001170536.3); c.1841A>G, p.Gln614Arg (NM_018188.5); short protein forms Q487R, Q566R, Q614R.
Identifiers: ClinVar variation 2384663 (VCV002384663.2), dbSNP rs528563454, ClinGen allele CA526551.

ClinVar aggregate classification (germline): Uncertain significance (1 of 4 stars; one submission).

Conditions:
Inborn genetic diseases. Identifiers: MedGen C0950123, MeSH D030342.

Allele frequency attached by ClinVar (database versions not stated): 1000 Genomes Project 30x 0.00016; TOPMed 0.00019; 1000 Genomes Project 0.00020; ExAC 0.00021; gnomAD 0.00021; gnomAD exomes 0.00040.
gnomAD v4.1: 619 of 1,613,600 alleles (0.038%); highest among the groups gnomAD compares: Non-Finnish European, 0.047%; no homozygotes.

Submission:

Ambry Genetics
Classification: Uncertain significance for Inborn genetic diseases. Last evaluated: 2021-10-18. Review status: criteria provided, single submitter. Criteria: Ambry Variant Classification Scheme 2023. Collection method: clinical testing. Allele origin: germline.
Comment: Unlikely to be causative of AD ATAD3A-related mitochondrial disorder. Based on insufficient or conflicting evidence, the clinical significance of this alteration remains unclear.